The following is an entry in ClinVar:

ClinVar aggregate classification (germline): Likely pathogenic (1 of 4 stars; one submission).

Conditions:
Ichthyosis bullosa of Siemens (IBS). Also called: Superficial epidermolytic ichthyosis. Identifiers: Orphanet 455, MedGen C0432306, MONDO:0007813, OMIM 146800.

Submission:

Diagnostics Services (NGS), CSIR - Centre For Cellular And Molecular Biology
Classification: Likely pathogenic for Ichthyosis bullosa of Siemens. Last evaluated: 2024-06-28. Review status: criteria provided, single submitter. Criteria: ACMG Guidelines, 2015. Collection method: clinical testing. Allele origin: unknown. Affected: yes. Observed: 1 variant allele, 1 heterozygote.
Comment: The c.557A>G variant is not present in publicly available population databases like 1000 Genomes, gnomAD, ExAC, EVS, Indian Exome Database or our in-house exome database. This variant has neither been published in literature nor reported to clinical databases like ClinVar, Human Genome Mutation Database (HGMD) or OMIM, in any affected individuals. In-silico pathogenicity prediction programs like SIFT, PolyPhen-2, MutationTaster2, CADD, Varsome, Franklin etc predicted this variant to be likely deleterious however these predictions were not confirmed by published functional studies. This variant is located at the mutational hotspot region of the gene and different amino acid changes in the same codon (Asn186Lys, Asn186Asp, Asn186Tyr) have been previously observed in the affected individuals, published in literature and reported to the clinical databases as ‘pathogenic / likely pathogenic’ by multiple submitters.

NM_000423.3(KRT2):c.557A>G (p.Asn186Ser)

Gene: KRT2 (keratin 2; minus strand). Cytogenetic location: 12q13.13.
Variant type: single nucleotide variant.
Coding change: c.557A>G on transcript NM_000423.3 (MANE Select); coding-DNA position 557, A replaced by G.
Protein change: p.Asn186Ser; replaces asparagine 186 with serine.
Molecular consequence: missense variant.
Genome position (GRCh38, 1-based): chr12:52,651,586, T>C on the plus strand (A>G on the coding strand, the complement: KRT2 is on the minus strand). VCF-style: chr12-52651586-T-C. GRCh37 (hg19) VCF-style: chr12-53045370-T-C.
Other names: short protein forms N186S.
Identifiers: ClinVar variation 3251985 (VCV003251985.1), dbSNP rs2498607356.
Genomic context (GRCh38, chr12:52,651,586, plus strand): 5'-GCATCAGTGGGAGCCGTCTTCTCCAGAGTCACCTTGTCAATGAAGGAGGCAAATTTGTTG[T>C]TGAGAGTTTTGATCTGCTCACGCTCTTGGGCCTTCACATTCTGGATCTCTGGGTCAACTT-3'
Protein context (NP_000414.2, residues 176-196): AQEREQIKTL[Asn186Ser]NKFASFIDKV